The following is an entry in ClinVar:

ClinVar aggregate classification (germline): Conflicting classifications of pathogenicity. Review status: criteria provided, conflicting classifications (1 of 4 stars). 2 submissions from 2 submitters: Uncertain significance (1); Likely benign (1). Last evaluated 2023-05-27.

Conditions:
Inborn genetic diseases. Identifiers: MedGen C0950123, MeSH D030342.

Allele frequency attached by ClinVar (database versions not stated): gnomAD 0.00001; TOPMed 0.00002.
gnomAD v4.1: 5 of 1,614,122 alleles (0.00031%); highest among the groups gnomAD compares: Admixed American, 0.0083%; no homozygotes.

Submissions (2):

Labcorp Genetics (formerly Invitae), Labcorp
Classification: Uncertain significance. Last evaluated: 2023-05-27. Review status: criteria provided, single submitter. Criteria: Invitae Variant Classification Sherloc (09022015). Collection method: clinical testing. Allele origin: germline.
Comment: This sequence change replaces glutamic acid, which is acidic and polar, with aspartic acid, which is acidic and polar, at codon 4525 of the MACF1 protein (p.Glu4525Asp). In summary, the available evidence is currently insufficient to determine the role of this variant in disease. Therefore, it has been classified as a Variant of Uncertain Significance. Algorithms developed to predict the effect of missense changes on protein structure and function output the following: SIFT: "Not Available"; PolyPhen-2: "Benign"; Align-GVGD: "Not Available". The aspartic acid amino acid residue is found in multiple mammalian species, which suggests that this missense change does not adversely affect protein function. ClinVar contains an entry for this variant (Variation ID: 2217504). This variant has not been reported in the literature in individuals affected with MACF1-related conditions. This variant is present in population databases (no rsID available, gnomAD 0.006%).

Ambry Genetics
Classification: Likely benign for Inborn genetic diseases. Last evaluated: 2022-07-26. Review status: criteria provided, single submitter. Criteria: Ambry Variant Classification Scheme 2023. Collection method: clinical testing. Allele origin: germline.

NM_001394062.1(MACF1):c.19752A>C (p.Glu6584Asp)

Gene: MACF1 (microtubule actin crosslinking factor 1; plus strand). Cytogenetic location: 1p34.3.
Variant type: single nucleotide variant.
Coding change: c.19752A>C on transcript NM_001394062.1 (MANE Select); coding-DNA position 19752, A replaced by C.
Protein change: p.Glu6584Asp; replaces glutamic acid 6584 with aspartic acid.
Molecular consequence: missense variant.
Genome position (GRCh38, 1-based): chr1:39,447,578, A>C. VCF-style: chr1-39447578-A-C. GRCh37 (hg19) VCF-style: chr1-39913250-A-C.
Other names: c.7830A>C, p.Glu2610Asp (NM_001397473.1); c.13575A>C, p.Glu4525Asp (NM_012090.5); short protein forms E2610D, E4525D, E6584D.
Identifiers: ClinVar variation 2217504 (VCV002217504.5), dbSNP rs1346714603, ClinGen allele CA339819248.
Genomic context (GRCh38, chr1:39,447,578, plus strand): 5'-GAGTTTAAACATCGCTTCTCCACCAAGCCTGATTCTAAATACTGTCCTTTCCCAGATAGA[A>C]GAGCACAAGGTAAGTATGATATTATGATGCTGCATTCTTTTTGAAAGCACTAATTGAAAG-3'
Protein context (NP_001380991.1, residues 6574-6594): LILNTVLSQI[Glu6584Asp]EHKVFANEVN